The following is an entry in ClinVar:

ClinVar aggregate classification (germline): Uncertain significance. Review status: criteria provided, multiple submitters, no conflicts (2 of 4 stars). 2 submissions from 2 submitters: Uncertain significance (2). Last evaluated 2025-02-12.

Conditions:
Inborn genetic diseases. Identifiers: MedGen C0950123, MeSH D030342.

Allele frequency attached by ClinVar (database versions not stated): gnomAD exomes below 0.00001; TOPMed below 0.00001; gnomAD 0.00001.
gnomAD v4.1: 4 of 1,333,390 alleles (0.0003%); highest among the groups gnomAD compares: Non-Finnish European, 0.00029%; no homozygotes.

Submissions (2):

Ambry Genetics
Classification: Uncertain significance for Inborn genetic diseases. Last evaluated: 2025-02-12. Review status: criteria provided, single submitter. Criteria: Ambry Variant Classification Scheme 2023. Collection method: clinical testing. Allele origin: germline.

Labcorp Genetics (formerly Invitae), Labcorp
Classification: Uncertain significance. Last evaluated: 2021-11-11. Review status: criteria provided, single submitter. Criteria: Invitae Variant Classification Sherloc (09022015). Collection method: clinical testing. Allele origin: germline.
Comment: Algorithms developed to predict the effect of missense changes on protein structure and function output the following: SIFT: "Tolerated"; PolyPhen-2: "Not Available"; Align-GVGD: "Class C0". The leucine amino acid residue is found in multiple mammalian species, which suggests that this missense change does not adversely affect protein function. This variant has not been reported in the literature in individuals affected with TTC19-related conditions. This variant is not present in population databases (gnomAD no frequency). This sequence change replaces proline, which is neutral and non-polar, with leucine, which is neutral and non-polar, at codon 30 of the TTC19 protein (p.Pro30Leu). In summary, the available evidence is currently insufficient to determine the role of this variant in disease. Therefore, it has been classified as a Variant of Uncertain Significance.

NM_017775.4(TTC19):c.89C>T (p.Pro30Leu)

Genes: TTC19 (tetratricopeptide repeat domain 19; plus strand), LOC130060311 (ATAC-STARR-seq lymphoblastoid silent region 8214; plus strand). Cytogenetic location: 17p12.
Variant type: single nucleotide variant.
Coding change: c.89C>T on transcript NM_017775.4 (MANE Select); coding-DNA position 89, C replaced by T.
Protein change: p.Pro30Leu; replaces proline 30 with leucine.
Molecular consequence: missense variant. On other transcripts: 5 prime UTR variant (1).
Genome position (GRCh38, 1-based): chr17:15,999,937, C>T. VCF-style: chr17-15999937-C-T. GRCh37 (hg19) VCF-style: chr17-15903251-C-T.
Other names: c.452C>T (NM_017775.2); c.-370C>T (NM_001271420.2); short protein forms P30L.
Identifiers: ClinVar variation 1392567 (VCV001392567.7), dbSNP rs1970663653, ClinGen allele CA398382324.
Genomic context (GRCh38, chr17:15,999,937, plus strand): 5'-GCCGAGGCTTCCTGCGGGCCGCGGGGCGGCGGTGCCGGGGCTGCTCCGCGCGCCTGCTCC[C>T]GGGGCTGGCAGGAGGTCCGGGGCCCGAGGTGCAGGTGCCGCCATCCCGAGTCGCGCCGCA-3'
Protein context (NP_060245.3, residues 20-40): RCRGCSARLL[Pro30Leu]GLAGGPGPEV